The following is an entry in ClinVar:

ClinVar aggregate classification (germline): Likely pathogenic (1 of 4 stars; one submission).

gnomAD v4.1: 67 of 1,609,800 alleles (0.0042%); highest among the groups gnomAD compares: Non-Finnish European, 0.0054%; no homozygotes.

Submissions (2):

Labcorp Genetics (formerly Invitae), Labcorp
Classification: Likely pathogenic. Last evaluated: 2025-12-24. Review status: criteria provided, single submitter. Criteria: Invitae Variant Classification Sherloc (09022015). Collection method: clinical testing. Allele origin: germline.
Comment: This sequence change affects a donor splice site in intron 50 of the DNAH9 gene. It is expected to disrupt RNA splicing. Variants that disrupt the donor or acceptor splice site typically lead to a loss of protein function (PMID: 16199547), and loss-of-function variants in DNAH9 are known to be pathogenic (PMID: 30471718). This variant is present in population databases (rs771652140, gnomAD 0.0009%). This variant has not been reported in the literature in individuals affected with DNAH9-related conditions. ClinVar contains an entry for this variant (Variation ID: 3697213). Algorithms developed to predict the effect of sequence changes on RNA splicing suggest that this variant may disrupt the consensus splice site. In summary, the currently available evidence indicates that the variant is pathogenic, but additional data are needed to prove that conclusively. Therefore, this variant has been classified as Likely Pathogenic.

Dr. Peter K. Rogan Lab, Western University
No classification provided (evidence only). Condition: Thyroid cancer, nonmedullary, 1. Review status: no classification provided. Collection method: in vitro. Allele origin: not applicable. Functional consequence: retained intron. Not counted in ClinVar's aggregate classification.

Literature cited by the submitters: PubMed 16199547 (cited by Labcorp Genetics (formerly Invitae), Labcorp); PubMed 30471718 (cited by Labcorp Genetics (formerly Invitae), Labcorp).

NM_001372.4(DNAH9):c.9933+1G>C

Gene: DNAH9 (dynein axonemal heavy chain 9; plus strand). Cytogenetic location: 17p12.
Variant type: single nucleotide variant.
Coding change: c.9933+1G>C on transcript NM_001372.4 (MANE Select); the canonical splice donor site of the intron after coding-DNA position 9933, G replaced by C.
Molecular consequence: splice donor variant.
Genome position (GRCh38, 1-based): chr17:11,854,429, G>C. VCF-style: chr17-11854429-G-C. GRCh37 (hg19) VCF-style: chr17-11757746-G-C.
Identifiers: ClinVar variation 3697213 (VCV003697213.3).